The following is an entry in ClinVar:

ClinVar aggregate classification (germline): Uncertain significance (0 of 4 stars; one submission).

Conditions:
PREPL-related disorder. Also called: PREPL-related condition.

Submission:

PreventionGenetics, part of Exact Sciences
Classification: Uncertain significance for PREPL-related condition. Last evaluated: 2024-05-09. Review status: no assertion criteria provided. Collection method: clinical testing. Allele origin: germline.
Comment: The PREPL c.1439G>A variant is predicted to result in the amino acid substitution p.Gly480Glu. To our knowledge, this variant has not been reported in the literature or in a large population database, indicating this variant is rare. At this time, the clinical significance of this variant is uncertain due to the absence of conclusive functional and genetic evidence.

NM_001171613.2(PREPL):c.1172G>A (p.Gly391Glu)

Gene: PREPL (prolyl endopeptidase like; minus strand). Cytogenetic location: 2p21.
Variant type: single nucleotide variant.
Coding change: c.1172G>A on transcript NM_001171613.2 (MANE Select); coding-DNA position 1172, G replaced by A.
Protein change: p.Gly391Glu; replaces glycine 391 with glutamic acid.
Molecular consequence: missense variant.
Genome position (GRCh38, 1-based): chr2:44,329,027, C>T on the plus strand (G>A on the coding strand, the complement: PREPL is on the minus strand). VCF-style: chr2-44329027-C-T. GRCh37 (hg19) VCF-style: chr2-44556166-C-T.
Other names: c.1253G>A, p.Gly418Glu (NM_001042385.2); c.1241G>A, p.Gly414Glu (NM_001042386.2); c.1439G>A, p.Gly480Glu (NM_001171603.1, NM_001171606.2, NM_001374275.1 and 2 more transcripts); c.1172G>A, p.Gly391Glu (NM_001171617.1, NM_001374277.1); short protein forms G391E, G414E, G418E, G480E.
Identifiers: ClinVar variation 3347341 (VCV003347341.1).